The following is an entry in ClinVar:

ClinVar aggregate classification (germline): Pathogenic (1 of 4 stars; one submission).

Submission:

Labcorp Genetics (formerly Invitae), Labcorp
Classification: Pathogenic. Last evaluated: 2022-09-22. Review status: criteria provided, single submitter. Criteria: Invitae Variant Classification Sherloc (09022015). Collection method: clinical testing. Allele origin: germline.
Comment: For these reasons, this variant has been classified as Pathogenic. This variant has not been reported in the literature in individuals affected with SCP2-related conditions. This variant is a gross deletion of the genomic region encompassing exon(s) 2-10 of the SCP2 gene. This deletion is out-of-frame, and is expected to create a premature termination codon and result in an absent or disrupted protein product. Loss-of-function variants in SCP2 are known to be pathogenic (PMID: 16685654, 26497993).

Literature cited by the submitters: PubMed 16685654; PubMed 26497993.

NC_000001.10:g.(?_53407448)_(53446235_?)del

Gene: SCP2 (sterol carrier protein 2; plus strand). Cytogenetic location: 1p32.3.
Variant type: Deletion.
Identifiers: ClinVar variation 2424591 (VCV002424591.4).